The following is an entry in ClinVar:

NM_000921.5(PDE3A):c.2568G>C (p.Ala856=)

Gene: PDE3A (phosphodiesterase 3A; plus strand). Cytogenetic location: 12p12.2.
Variant type: single nucleotide variant.
Coding change: c.2568G>C on transcript NM_000921.5 (MANE Select); coding-DNA position 2568, G replaced by C.
Protein change: p.Ala856=; no amino-acid change (alanine 856 retained).
Molecular consequence: synonymous variant.
Genome position (GRCh38, 1-based): chr12:20,648,690, G>C. VCF-style: chr12-20648690-G-C. GRCh37 (hg19) VCF-style: chr12-20801624-G-C.
Other names: c.1602G>C, p.Ala534= (NM_001244683.2, NM_001378409.1); c.2262G>C, p.Ala754= (NM_001378407.1); c.1605G>C, p.Ala535= (NM_001378408.1).
Identifiers: ClinVar variation 781067 (VCV000781067.12), dbSNP rs79204780, ClinGen allele CA6474079.
Genomic context (GRCh38, chr12:20,648,690, plus strand): 5'-ATGATTTTTGTGATTATTTTCTTAAAAAGTTGAACTCTTAACTGTCTTATTTGCCTAGGC[G>C]GTGCTATATAACGATCGTTCAGTTTTGGAGAATCATCACGCAGCTGCTGCATGGAATCTT-3'
Protein context (NP_000912.3, residues 846-866): AFLVATSAPQ[Ala856=]VLYNDRSVLE

ClinVar aggregate classification (germline): Benign. Review status: criteria provided, single submitter (1 of 4 stars). 2 submissions from 2 submitters: Benign (1). 1 of the submissions does not count toward it. Last evaluated 2025-10-23.

Conditions:
PDE3A-related disorder. Also called: PDE3A-related condition.

Allele frequency attached by ClinVar (database versions not stated): gnomAD 0.00411 and 0.00434; ESP Exome Variant Server 0.00415; 1000 Genomes Project 0.00439; TOPMed 0.00448; 1000 Genomes Project 30x 0.00531.
gnomAD v4.1: 1,217 of 1,596,336 alleles (0.076%); highest among the groups gnomAD compares: African/African-American, 1.5%; 11 homozygotes.

Submissions (2):

Labcorp Genetics (formerly Invitae), Labcorp
Classification: Benign. Last evaluated: 2025-10-23. Review status: criteria provided, single submitter. Criteria: Invitae Variant Classification Sherloc (09022015). Collection method: clinical testing. Allele origin: germline.

PreventionGenetics, part of Exact Sciences
Classification: Benign for PDE3A-related condition. Last evaluated: 2019-02-18. Review status: no assertion criteria provided. Collection method: clinical testing. Allele origin: germline. Not counted in ClinVar's aggregate classification.
Comment: This variant is classified as benign based on ACMG/AMP sequence variant interpretation guidelines (Richards et al. 2015 PMID: 25741868, with internal and published modifications).